The following is an entry in ClinVar:

ClinVar aggregate classification (germline): Likely pathogenic. Review status: criteria provided, multiple submitters, no conflicts (2 of 4 stars). 2 submissions from 2 submitters: Likely pathogenic (2). Last evaluated 2024-02-19.

Conditions:
Cardiovascular phenotype. Identifiers: MedGen CN230736.

Submissions (2):

Labcorp Genetics (formerly Invitae), Labcorp
Classification: Likely pathogenic. Last evaluated: 2024-02-19. Review status: criteria provided, single submitter. Criteria: Invitae Variant Classification Sherloc (09022015). Collection method: clinical testing. Allele origin: germline.
Comment: This sequence change affects a donor splice site in intron 1 of the ALPK3 gene. It is expected to disrupt RNA splicing. Variants that disrupt the donor or acceptor splice site typically lead to a loss of protein function (PMID: 16199547), and loss-of-function variants in ALPK3 are known to be pathogenic (PMID: 21441111, 26846950, 27106955, 34263907). This variant is not present in population databases (gnomAD no frequency). This variant has not been reported in the literature in individuals affected with ALPK3-related conditions. ClinVar contains an entry for this variant (Variation ID: 1759156). Algorithms developed to predict the effect of sequence changes on RNA splicing suggest that this variant may disrupt the consensus splice site. In summary, the currently available evidence indicates that the variant is pathogenic, but additional data are needed to prove that conclusively. Therefore, this variant has been classified as Likely Pathogenic.

Ambry Genetics
Classification: Likely pathogenic for Cardiovascular phenotype. Last evaluated: 2022-01-28. Review status: criteria provided, single submitter. Criteria: Ambry Variant Classification Scheme 2023. Collection method: clinical testing. Allele origin: germline.
Comment: The c.749+1G>A intronic variant results from a G to A substitution one nucleotide after coding exon 1 of the ALPK3 gene. In silico splice site analysis predicts that this alteration will weaken the native splice donor site. The stop codon in the predicted resulting transcript occurs in the 5' end ofthe ALPK3 gene. As such, this alteration may escape nonsense-mediated mRNAdecay and/or be prone to rescue by reinitiation (Rivas et al. Science. 2015 May 8;348(6235):666-9; Lindeboom et al. Nat Genet. 2016 Oct;48(10):1112-8; Rhee et al. Sci Rep. 2017 May 10;7(1):1653). The exact functional effect of this alteration is unknown; however, a significant portion of the protein is affected (Ambry internal data). This variant is considered to be rare based on population cohorts in the Genome Aggregation Database (gnomAD). This nucleotide position is highly conserved in available vertebrate species. Based on the majority of available evidence to date, this variant is likely to be pathogenic.

Literature cited by the submitters: PubMed 16199547 (cited by Labcorp Genetics (formerly Invitae), Labcorp); PubMed 21441111 (cited by Labcorp Genetics (formerly Invitae), Labcorp); PubMed 26846950 (cited by Labcorp Genetics (formerly Invitae), Labcorp); PubMed 27106955 (cited by Labcorp Genetics (formerly Invitae), Labcorp); PubMed 34263907 (cited by Labcorp Genetics (formerly Invitae), Labcorp).

NM_020778.5(ALPK3):c.143+1G>A

Gene: ALPK3 (alpha kinase 3; plus strand). Cytogenetic location: 15q25.3.
Variant type: single nucleotide variant.
Coding change: c.143+1G>A on transcript NM_020778.5 (MANE Select); the canonical splice donor site of the intron after coding-DNA position 143, G replaced by A.
Molecular consequence: splice donor variant.
Genome position (GRCh38, 1-based): chr15:84,817,596, G>A. VCF-style: chr15-84817596-G-A. GRCh37 (hg19) VCF-style: chr15-85360827-G-A.
Identifiers: ClinVar variation 1759156 (VCV001759156.7), dbSNP rs2505689457, ClinGen allele CA393369644.